The following is an entry in ClinVar:

NM_001037333.3(CYFIP2):c.2013C>T (p.Asn671=)

Gene: CYFIP2 (cytoplasmic FMR1 interacting protein 2; plus strand). Cytogenetic location: 5q33.3.
Variant type: single nucleotide variant.
Coding change: c.2013C>T on transcript NM_001037333.3 (MANE Select); coding-DNA position 2013, C replaced by T.
Protein change: p.Asn671=; no amino-acid change (asparagine 671 retained).
Molecular consequence: synonymous variant.
Genome position (GRCh38, 1-based): chr5:157,326,201, C>T. VCF-style: chr5-157326201-C-T. GRCh37 (hg19) VCF-style: chr5-156753209-C-T.
Other names: c.1935C>T, p.Asn645= (NM_001291721.2); c.2088C>T, p.Asn696= (NM_001291722.2); c.2013C>T, p.Asn671= (NM_014376.4).
Identifiers: ClinVar variation 1658196 (VCV001658196.24), dbSNP rs199725246, ClinGen allele CA3533735.

ClinVar aggregate classification (germline): Likely benign. Review status: criteria provided, multiple submitters, no conflicts (2 of 4 stars). 4 submissions from 4 submitters: Likely benign (4). Last evaluated 2026-01-13.

Allele frequency attached by ClinVar (database versions not stated): gnomAD 0.00013 and 0.00014; ExAC 0.00016; TOPMed 0.00016; gnomAD exomes 0.00018 and 0.00032; ESP Exome Variant Server 0.00025.
gnomAD v4.1: 477 of 1,613,832 alleles (0.03%); highest among the groups gnomAD compares: Non-Finnish European, 0.039%; no homozygotes.

Submissions (4):

Labcorp Genetics (formerly Invitae), Labcorp
Classification: Likely benign. Last evaluated: 2026-01-13. Review status: criteria provided, single submitter. Criteria: Invitae Variant Classification Sherloc (09022015). Collection method: clinical testing. Allele origin: germline.

CeGaT Center for Human Genetics Tuebingen
Classification: Likely benign. Last evaluated: 2024-09-01. Review status: criteria provided, single submitter. Criteria: CeGaT Center For Human Genetics Tuebingen Variant Classification Criteria Version 2. Collection method: clinical testing. Allele origin: germline. Affected: yes. Observed: 1 variant allele.
Comment: CYFIP2: BP4, BP7

Women's Health and Genetics/Laboratory Corporation of America, LabCorp
Classification: Likely benign. Last evaluated: 2024-07-08. Review status: criteria provided, single submitter. Criteria: LabCorp Variant Classification Summary - May 2015. Collection method: clinical testing. Allele origin: germline.

Blueprint Genetics
Classification: Likely benign. Last evaluated: 2024-06-06. Review status: criteria provided, single submitter. Criteria: ACMG Guidelines, 2015. Collection method: clinical testing. Allele origin: germline.